The following is an entry in ClinVar:

ClinVar aggregate classification (germline): Conflicting classifications of pathogenicity. Review status: criteria provided, conflicting classifications (1 of 4 stars). 2 submissions from 2 submitters: Pathogenic (1); Uncertain significance (1). Last evaluated 2025-08-13.

Conditions:
Intellectual developmental disorder, autosomal dominant 45. Also called: MENTAL RETARDATION, AUTOSOMAL DOMINANT 45; Intellectual disability, autosomal dominant 45. Identifiers: MedGen C4539848, MONDO:0030910, OMIM 617600.

Allele frequency attached by ClinVar (database versions not stated): gnomAD exomes below 0.00001.
gnomAD v4.1: 1 of 1,613,996 alleles (0.000062%); highest among the groups gnomAD compares: East Asian, 0.0022%; no homozygotes.

Submissions (2):

GeneDx
Classification: Uncertain significance. Last evaluated: 2025-08-13. Review status: criteria provided, single submitter. Criteria: GeneDx Variant Classification Process June 2021. Collection method: clinical testing. Allele origin: germline.
Comment: Reported previously in a patient with a history of speech delay, relapsed pre-B acute lymphoblastic leukemia, developmental regression, bicuspid aortic valve, and hyperextensible joints (PMID: 35165976); Published functional studies show a moderate loss of repressor activity in vitro (PMID: 35165976); In silico analysis supports that this missense variant has a deleterious effect on protein structure/function; Not observed at significant frequency in large population cohorts (gnomAD); This variant is associated with the following publications: (PMID: 35165976)

Tan Lab, Dept of Cell Biology, University of Alberta
Classification: Pathogenic for Intellectual disability, autosomal dominant 45. Last evaluated: 2021-10-22. Review status: criteria provided, single submitter. Criteria: Tan Lab Assertion Criteria 2021. Collection method: clinical testing. Allele origin: unknown. Inheritance: Autosomal dominant inheritance. Affected: yes.

Literature cited by the submitters: PubMed 35165976 (cited by Tan Lab, Dept of Cell Biology, University of Alberta).

NM_001386298.1(CIC):c.3410G>A (p.Arg1137Gln)

Gene: CIC (capicua transcriptional repressor; plus strand). Cytogenetic location: 19q13.2.
Variant type: single nucleotide variant.
Coding change: c.3410G>A on transcript NM_001386298.1 (MANE Select); coding-DNA position 3410, G replaced by A.
Protein change: p.Arg1137Gln; replaces arginine 1137 with glutamine.
Molecular consequence: missense variant.
Genome position (GRCh38, 1-based): chr19:42,287,645, G>A. VCF-style: chr19-42287645-G-A. GRCh37 (hg19) VCF-style: chr19-42791797-G-A.
Other names: c.3410G>A, p.Arg1137Gln (NM_001304815.2, NM_001379480.1, NM_001379482.1); c.683G>A, p.Arg228Gln (NM_001379484.1, NM_001379485.1, NM_015125.5); short protein forms R1137Q, R228Q.
Identifiers: ClinVar variation 1301399 (VCV001301399.4), dbSNP rs2147198843, ClinGen allele CA406098102.